The following is an entry in ClinVar:

NM_000548.5(TSC2):c.3182_3183insAACC (p.Val1062fs)

Gene: TSC2 (TSC complex subunit 2; plus strand). Cytogenetic location: 16p13.3.
Variant type: Insertion.
Coding change: c.3182_3183insAACC on transcript NM_000548.5 (MANE Select); coding-DNA positions 3182 to 3183, AACC inserted.
Protein change: p.Val1062fs; shifts the reading frame from valine 1062.
Molecular consequence: frameshift variant.
Genome position: GRCh38 VCF-style: chr16-2079326-T-TAACC. GRCh37 (hg19) VCF-style: chr16-2129327-T-TAACC.
Other names: c.3050_3051insAACC, p.Val1018fs (NM_001370404.1, NM_001077183.3); c.3053_3054insAACC, p.Val1019fs (NM_001370405.1, NM_021055.3, NM_001363528.2); c.3182_3183insAACC, p.Val1062fs (NM_001114382.3); c.2942_2943insAACC, p.Val982fs (NM_001318827.2); c.2906_2907insAACC, p.Val970fs (NM_001318829.2); c.2450_2451insAACC, p.Val818fs (NM_001318831.2); c.3083_3084insAACC, p.Val1029fs (NM_001318832.2); short protein forms V982fs, V1062fs, V818fs, V970fs, V1019fs, V1018fs, V1029fs.
Identifiers: ClinVar variation 451660 (VCV000451660.3), dbSNP rs1555510579, ClinGen allele CA658656501.

ClinVar aggregate classification (germline): Pathogenic (1 of 4 stars; one submission).

Submission:

GeneDx
Classification: Pathogenic. Last evaluated: 2020-07-09. Review status: criteria provided, single submitter. Criteria: GeneDx Variant Classification Process June 2021. Collection method: clinical testing. Allele origin: germline. Affected: yes.
Comment: Frameshift variant predicted to result in protein truncation or nonsense mediated decay in a gene for which loss-of-function is a known mechanism of disease; Not observed in large population cohorts (Lek et al., 2016); Has not been previously published as pathogenic or benign to our knowledge